The following is an entry in ClinVar:

NM_007194.4(CHEK2):c.635A>G (p.Tyr212Cys)

Gene: CHEK2 (checkpoint kinase 2; minus strand). Cytogenetic location: 22q12.1.
Variant type: single nucleotide variant.
Coding change: c.635A>G on transcript NM_007194.4 (MANE Select); coding-DNA position 635, A replaced by G.
Protein change: p.Tyr212Cys; replaces tyrosine 212 with cysteine.
Molecular consequence: missense variant. On other transcripts: 5 prime UTR variant (2), intron variant (1).
Genome position (GRCh38, 1-based): chr22:28,719,443, T>C on the plus strand (A>G on the coding strand, the complement: CHEK2 is on the minus strand). VCF-style: chr22-28719443-T-C. GRCh37 (hg19) VCF-style: chr22-29115431-T-C.
Other names: c.764A>G, p.Tyr255Cys (NM_001005735.3, NM_001438294.1); c.-29A>G (NM_001257387.3, NM_001437942.1); c.728A>G, p.Tyr243Cys (NM_001438293.1, NM_001438295.1); c.635A>G, p.Tyr212Cys (NM_145862.3); c.482+5443A>G (NM_001349956.3); short protein forms Y255C, Y212C, Y243C.
Identifiers: ClinVar variation 853223 (VCV000853223.10), dbSNP rs2053693253, ClinGen allele CA411105031.

ClinVar aggregate classification (germline): Uncertain significance (1 of 4 stars; one submission).

Conditions:
Familial cancer of breast. Also called: Hereditary breast cancer; hereditary breast carcinoma; BREAST CANCER, FAMILIAL. Identifiers: Orphanet 227535, MedGen C0346153, MONDO:0016419, OMIM 114480. Disease mechanism: loss of function.

Submission:

Labcorp Genetics (formerly Invitae), Labcorp
Classification: Uncertain significance for Familial cancer of breast. Last evaluated: 2024-10-24. Review status: criteria provided, single submitter. Criteria: Invitae Variant Classification Sherloc (09022015). Collection method: clinical testing. Allele origin: germline.
Comment: This sequence change replaces tyrosine, which is neutral and polar, with cysteine, which is neutral and slightly polar, at codon 212 of the CHEK2 protein (p.Tyr212Cys). This variant is not present in population databases (gnomAD no frequency). This variant has not been reported in the literature in individuals affected with CHEK2-related conditions. ClinVar contains an entry for this variant (Variation ID: 853223). An algorithm developed to predict the effect of missense changes on protein structure and function (PolyPhen-2) suggests that this variant is likely to be disruptive. In summary, the available evidence is currently insufficient to determine the role of this variant in disease. Therefore, it has been classified as a Variant of Uncertain Significance.